The following is an entry in ClinVar:

NM_001009999.3(KDM1A):c.541G>C (p.Asp181His)

Gene: KDM1A (lysine demethylase 1A; plus strand). Cytogenetic location: 1p36.12.
Variant type: single nucleotide variant.
Coding change: c.541G>C on transcript NM_001009999.3 (MANE Select); coding-DNA position 541, G replaced by C.
Protein change: p.Asp181His; replaces aspartic acid 181 with histidine.
Molecular consequence: missense variant. On other transcripts: intron variant (2).
Genome position (GRCh38, 1-based): chr1:23,044,450, G>C. VCF-style: chr1-23044450-G-C. GRCh37 (hg19) VCF-style: chr1-23370943-G-C.
Other names: c.541G>C, p.Asp181His (NM_001410762.1); c.518-5937G>C (NM_001363654.2, NM_015013.4); c.541G>C (NM_001009999.2); short protein forms D181H.
Identifiers: ClinVar variation 2433051 (VCV002433051.7), dbSNP rs370820052, ClinGen allele CA679485.

ClinVar aggregate classification (germline): Conflicting classifications of pathogenicity. Review status: criteria provided, conflicting classifications (1 of 4 stars). 3 submissions from 3 submitters: Uncertain significance (2); Likely benign (1). Last evaluated 2025-07-22.

Conditions:
Inborn genetic diseases. Identifiers: MedGen C0950123, MeSH D030342.
Palatal anomalies-widely spaced teeth-facial dysmorphism-developmental delay syndrome. Also called: Cleft palate, psychomotor retardation, and distinctive facial features. Identifiers: Orphanet 477993, MedGen C4225229, MONDO:0014751, OMIM 616728.

gnomAD v4.1: 90 of 1,612,988 alleles (0.0056%); highest among the groups gnomAD compares: Non-Finnish European, 0.0072%; no homozygotes.

Submissions (3):

Labcorp Genetics (formerly Invitae), Labcorp
Classification: Uncertain significance. Last evaluated: 2025-07-22. Review status: criteria provided, single submitter. Criteria: Invitae Variant Classification Sherloc (09022015). Collection method: clinical testing. Allele origin: germline.
Comment: This sequence change replaces aspartic acid, which is acidic and polar, with histidine, which is basic and polar, at codon 181 of the KDM1A protein (p.Asp181His). This variant is present in population databases (rs370820052, gnomAD 0.01%). This variant has not been reported in the literature in individuals affected with KDM1A-related conditions. ClinVar contains an entry for this variant (Variation ID: 2433051). An algorithm developed to predict the effect of missense changes on protein structure and function (PolyPhen-2) suggests that this variant is likely to be tolerated. In summary, the available evidence is currently insufficient to determine the role of this variant in disease. Therefore, it has been classified as a Variant of Uncertain Significance.

Ambry Genetics
Classification: Likely benign for Inborn genetic diseases. Last evaluated: 2024-11-22. Review status: criteria provided, single submitter. Criteria: Ambry Variant Classification Scheme 2023. Collection method: clinical testing. Allele origin: germline.

Revvity Omics, Revvity
Classification: Uncertain significance for Palatal anomalies-widely spaced teeth-facial dysmorphism-developmental delay syndrome. Last evaluated: 2022-05-19. Review status: criteria provided, single submitter. Criteria: ACMG Guidelines, 2015. Collection method: clinical testing. Allele origin: germline.